The following is an entry in ClinVar:

ClinVar aggregate classification (germline): Uncertain significance. Review status: criteria provided, multiple submitters, no conflicts (2 of 4 stars). 2 submissions from 2 submitters: Uncertain significance (2). Last evaluated 2026-07-19.

Conditions:
Multiple endocrine neoplasia, type 2 (MEN2). Identifiers: Orphanet 653, MedGen C4048306, MONDO:0019003. Disease mechanism: gain of function.
Hereditary cancer-predisposing syndrome. Also called: Tumor predisposition; Hereditary neoplastic syndrome; Hereditary Cancer Syndrome; Neoplastic Syndromes, Hereditary. Identifiers: Orphanet 140162, MedGen C0027672, MeSH D009386, MONDO:0015356.

Submissions (2):

Ambry Genetics
Classification: Uncertain significance for Hereditary cancer-predisposing syndrome. Last evaluated: 2026-07-19. Review status: criteria provided, single submitter. Criteria: Ambry Variant Classification Scheme 2023. Collection method: clinical testing. Allele origin: germline.
Comment: The p.V374L variant (also known as c.1120G>C), located in coding exon 6 of the RET gene, results from a G to C substitution at nucleotide position 1120. The valine at codon 374 is replaced by leucine, an amino acid with highly similar properties. This amino acid position is conserved. In addition, the in silico prediction for this alteration is inconclusive. Based on the available evidence, the clinical significance of this variant remains unclear.

Labcorp Genetics (formerly Invitae), Labcorp
Classification: Uncertain significance for Multiple endocrine neoplasia, type 2. Last evaluated: 2024-11-26. Review status: criteria provided, single submitter. Criteria: Invitae Variant Classification Sherloc (09022015). Collection method: clinical testing. Allele origin: germline.
Comment: This sequence change replaces valine, which is neutral and non-polar, with leucine, which is neutral and non-polar, at codon 374 of the RET protein (p.Val374Leu). This variant is not present in population databases (gnomAD no frequency). This variant has not been reported in the literature in individuals affected with RET-related conditions. An algorithm developed to predict the effect of missense changes on protein structure and function (PolyPhen-2) suggests that this variant is likely to be disruptive. In summary, the available evidence is currently insufficient to determine the role of this variant in disease. Therefore, it has been classified as a Variant of Uncertain Significance.

NM_020975.6(RET):c.1120G>C (p.Val374Leu)

Gene: RET (ret proto-oncogene; plus strand). Cytogenetic location: 10q11.21.
Variant type: single nucleotide variant.
Coding change: c.1120G>C on transcript NM_020975.6 (MANE Select); coding-DNA position 1120, G replaced by C.
Protein change: p.Val374Leu; replaces valine 374 with leucine.
Molecular consequence: missense variant. On other transcripts: intron variant (18).
Genome position (GRCh38, 1-based): chr10:43,109,087, G>C. VCF-style: chr10-43109087-G-C. GRCh37 (hg19) VCF-style: chr10-43604535-G-C.
Other names: c.338-3012G>C (NM_001406789.1, NM_001406791.1, NM_001406790.1 and 1 more transcripts); c.74-3012G>C (NM_001406794.1, NM_001406792.1, NM_001406793.1); c.358G>C, p.Val120Leu (NM_001355216.2); c.1120G>C, p.Val374Leu (NM_001406743.1, NM_001406744.1, NM_001406759.1 and 4 more transcripts); c.991G>C, p.Val331Leu (NM_001406761.1, NM_001406762.1, NM_001406764.1 and 1 more transcripts); c.832G>C, p.Val278Leu (NM_001406766.1, NM_001406767.1, NM_001406770.1); c.682G>C, p.Val228Leu (NM_001406771.1, NM_001406773.1); c.394G>C, p.Val132Leu (NM_001406775.1, NM_001406776.1, NM_001406777.1 and 1 more transcripts); and 5 more; short protein forms V331L, V374L, V44L, V120L, V228L, V278L, V132L.
Identifiers: ClinVar variation 3726105 (VCV003726105.3).